The following is an entry in ClinVar:

NM_000113.3(TOR1A):c.502A>G (p.Ile168Val)

Gene: TOR1A (torsin family 1 member A; minus strand). Cytogenetic location: 9q34.11.
Variant type: single nucleotide variant.
Coding change: c.502A>G on transcript NM_000113.3 (MANE Select); coding-DNA position 502, A replaced by G.
Protein change: p.Ile168Val; replaces isoleucine 168 with valine.
Molecular consequence: missense variant.
Genome position (GRCh38, 1-based): chr9:129,818,863, T>C on the plus strand (A>G on the coding strand, the complement: TOR1A is on the minus strand). VCF-style: chr9-129818863-T-C. GRCh37 (hg19) VCF-style: chr9-132581142-T-C.
Other names: short protein forms I168V.
Identifiers: ClinVar variation 3377891 (VCV003377891.2).

ClinVar aggregate classification (germline): Uncertain significance (1 of 4 stars; one submission).

Submission:

GeneDx
Classification: Uncertain significance. Last evaluated: 2024-12-20. Review status: criteria provided, single submitter. Criteria: GeneDx Variant Classification Process June 2021. Collection method: clinical testing. Allele origin: germline. Affected: yes.
Comment: Not observed at significant frequency in large population cohorts (gnomAD); In silico analysis indicates that this missense variant does not alter protein structure/function; Has not been previously published as pathogenic or benign to our knowledge